The following is an entry in ClinVar:

NM_032608.7(MYO18B):c.5259+3A>G

Gene: MYO18B (myosin XVIIIB; plus strand). Cytogenetic location: 22q12.1.
Variant type: single nucleotide variant.
Coding change: c.5259+3A>G on transcript NM_032608.7 (MANE Select); 3 bases into the intron after coding-DNA position 5259, A replaced by G.
Molecular consequence: intron variant.
Genome position (GRCh38, 1-based): chr22:25,908,435, A>G. VCF-style: chr22-25908435-A-G. GRCh37 (hg19) VCF-style: chr22-26304402-A-G.
Other names: c.5262+3A>G (NM_001318245.2).
Identifiers: ClinVar variation 1360720 (VCV001360720.6), dbSNP rs780108646, ClinGen allele CA10161113.

ClinVar aggregate classification (germline): Uncertain significance. Review status: criteria provided, multiple submitters, no conflicts (2 of 4 stars). 4 submissions from 4 submitters: Uncertain significance (4). Last evaluated 2024-04-21.

Conditions:
Klippel-Feil anomaly-myopathy-facial dysmorphism syndrome. Also called: Klippel-feil syndrome 4, autosomal recessive, with nemaline myopathy and facial dysmorphism; Klippel-Feil syndrome 4, autosomal recessive, with myopathy and facial dysmorphism. Identifiers: Orphanet 447974, MedGen C4225285, MONDO:0014689, OMIM 616549.

Allele frequency attached by ClinVar (database versions not stated): gnomAD 0.00003 and 0.00004; gnomAD exomes 0.00004 and 0.00006; TOPMed 0.00005; ExAC 0.00008.
gnomAD v4.1: 68 of 1,576,774 alleles (0.0043%); highest among the groups gnomAD compares: Middle Eastern, 0.12%; no homozygotes.

Submissions (4):

Blueprint Genetics
Classification: Uncertain significance. Last evaluated: 2024-04-21. Review status: criteria provided, single submitter. Criteria: ACMG Guidelines, 2015. Collection method: clinical testing. Allele origin: germline.

Clinical Genetics Laboratory, Skane University Hospital Lund
Classification: Uncertain significance. Last evaluated: 2024-02-06. Review status: criteria provided, single submitter. Criteria: ACMG Guidelines, 2015. Collection method: clinical testing. Allele origin: germline. Affected: yes.

Labcorp Genetics (formerly Invitae), Labcorp
Classification: Uncertain significance. Last evaluated: 2022-08-22. Review status: criteria provided, single submitter. Criteria: Invitae Variant Classification Sherloc (09022015). Collection method: clinical testing. Allele origin: germline.
Comment: This sequence change falls in intron 32 of the MYO18B gene. It does not directly change the encoded amino acid sequence of the MYO18B protein. It affects a nucleotide within the consensus splice site. This variant is present in population databases (rs780108646, gnomAD 0.03%). This variant has not been reported in the literature in individuals affected with MYO18B-related conditions. ClinVar contains an entry for this variant (Variation ID: 1360720). Variants that disrupt the consensus splice site are a relatively common cause of aberrant splicing (PMID: 17576681, 9536098). Algorithms developed to predict the effect of sequence changes on RNA splicing suggest that this variant may create or strengthen a splice site. In summary, the available evidence is currently insufficient to determine the role of this variant in disease. Therefore, it has been classified as a Variant of Uncertain Significance.

Fulgent Genetics
Classification: Uncertain significance for Klippel-Feil anomaly-myopathy-facial dysmorphism syndrome. Last evaluated: 2022-01-12. Review status: criteria provided, single submitter. Criteria: ACMG Guidelines, 2015. Collection method: clinical testing. Allele origin: unknown.

Literature cited by the submitters: PubMed 17576681 (cited by Labcorp Genetics (formerly Invitae), Labcorp); PubMed 9536098 (cited by Labcorp Genetics (formerly Invitae), Labcorp).